The following is an entry in ClinVar:

NM_000135.4(FANCA):c.3583C>T (p.Arg1195Trp)

Gene: FANCA (FA complementation group A; minus strand). Cytogenetic location: 16q24.3.
Variant type: single nucleotide variant.
Coding change: c.3583C>T on transcript NM_000135.4 (MANE Select); coding-DNA position 3583, C replaced by T.
Protein change: p.Arg1195Trp; replaces arginine 1195 with tryptophan.
Molecular consequence: missense variant.
Genome position (GRCh38, 1-based): chr16:89,745,002, G>A on the plus strand (C>T on the coding strand, the complement: FANCA is on the minus strand). VCF-style: chr16-89745002-G-A. GRCh37 (hg19) VCF-style: chr16-89811410-G-A.
Other names: p.Arg1195Trp; c.3583C>T, p.Arg1195Trp (NM_001286167.3); c.3583C>T (LRG_495t1); short protein forms R1195W.
Identifiers: ClinVar variation 134269 (VCV000134269.48), dbSNP rs143642304, ClinGen allele CA332149.

ClinVar aggregate classification (germline): Conflicting classifications of pathogenicity. Review status: criteria provided, conflicting classifications (1 of 4 stars). 13 submissions from 13 submitters: Uncertain significance (4); Likely benign (7). 2 of the submissions do not count toward it. Last evaluated 2026-01-25.

Conditions:
FANCA-related disorder. Also called: FANCA-related condition.
Inborn genetic diseases. Identifiers: MedGen C0950123, MeSH D030342.
Fanconi anemia (FA). Also called: Fanconi's anemia. Identifiers: Orphanet 84, MedGen C0015625, MeSH D005199, MONDO:0019391.
Fanconi anemia complementation group A (FANCA). Also called: Fanconi anemia, group A; FANCA-Related Fanconi Anemia. Identifiers: Orphanet 84, MedGen C3469521, MONDO:0009215, OMIM 227650.

Allele frequency attached by ClinVar (database versions not stated): 1000 Genomes Project 30x 0.00016; 1000 Genomes Project 0.00020; gnomAD 0.00035; ESP Exome Variant Server 0.00046; TOPMed 0.00047.
gnomAD v4.1: 279 of 1,611,068 alleles (0.017%); highest among the groups gnomAD compares: African/African-American, 0.14%; 1 homozygote.

Submissions (13):

Labcorp Genetics (formerly Invitae), Labcorp
Classification: Likely benign for Fanconi anemia. Last evaluated: 2026-01-25. Review status: criteria provided, single submitter. Criteria: Invitae Variant Classification Sherloc (09022015). Collection method: clinical testing. Allele origin: germline.

Blueprint Genetics
Classification: Likely benign. Last evaluated: 2024-11-26. Review status: criteria provided, single submitter. Criteria: ACMG Guidelines, 2015. Collection method: clinical testing. Allele origin: germline.

Ambry Genetics
Classification: Likely benign for Inborn genetic diseases. Last evaluated: 2024-11-22. Review status: criteria provided, single submitter. Criteria: Ambry Variant Classification Scheme 2023. Collection method: clinical testing. Allele origin: germline.

KCCC/NGS Laboratory, Kuwait Cancer Control Center
Classification: Likely benign for Fanconi anemia complementation group A. Last evaluated: 2023-07-07. Review status: criteria provided, single submitter. Criteria: ACMG Guidelines, 2015. Collection method: clinical testing. Allele origin: germline. Affected: yes.

Quest Diagnostics Nichols Institute San Juan Capistrano
Classification: Likely benign. Last evaluated: 2023-06-08. Review status: criteria provided, single submitter. Criteria: Quest Diagnostics criteria. Collection method: clinical testing. Allele origin: unknown.

CeGaT Center for Human Genetics Tuebingen
Classification: Likely benign. Last evaluated: 2022-10-01. Review status: criteria provided, single submitter. Criteria: CeGaT Center For Human Genetics Tuebingen Variant Classification Criteria Version 2. Collection method: clinical testing. Allele origin: germline. Affected: yes. Observed: 1 variant allele.
Comment: FANCA: BP4, BS2

Mayo Clinic Laboratories, Mayo Clinic
Classification: Uncertain significance. Last evaluated: 2022-06-07. Review status: criteria provided, single submitter. Criteria: ACMG Guidelines, 2015. Collection method: clinical testing. Allele origin: germline. Observed: 1 variant allele.

Sema4
Classification: Likely benign for Fanconi anemia. Last evaluated: 2021-04-23. Review status: criteria provided, single submitter. Criteria: Sema4 Curation Guidelines. Collection method: curation. Allele origin: germline.

Baylor Genetics
Classification: Uncertain significance for Fanconi anemia complementation group A. Last evaluated: 2020-12-22. Review status: criteria provided, single submitter. Criteria: ACMG Guidelines, 2015. Collection method: clinical testing. Allele origin: unknown. Affected: yes. Study: CSER-TexasKidsCanSeq.
Comment: This variant was determined to be of uncertain significance according to ACMG Guidelines, 2015 [PMID:25741868].

Genetic Services Laboratory, University of Chicago
Classification: Uncertain significance. Last evaluated: 2020-09-10. Review status: criteria provided, single submitter. Criteria: ACMG Guidelines, 2015. Collection method: clinical testing. Allele origin: germline. Affected: no.
Comment: DNA sequence analysis of the FANCA gene demonstrated a sequence change, c.3583C>T, in exon 36 that results in an amino acid change, p.Arg1195Trp. This sequence change does not appear to have been previously described in patients with FANCA-related disorders and has described in the gnomAD database with a frequency of 0.4% in the Ashkenazi Jewish population (dbSNP rs143642304). The p.Arg1195Trp change affects a poorly conserved amino acid residue located in a domain of the FANCA protein that is not known to be functional. The p.Arg1195Trp substitution appears to be benign using several in-silico pathogenicity prediction tools (SIFT, PolyPhen2, Align GVGD, REVEL). Due to these contrasting evidences and the lack of functional studies, the clinical significance of the p.Arg1195Trp change remains unknown at this time.

Illumina Laboratory Services, Illumina
Classification: Uncertain significance for Fanconi anemia complementation group A. Last evaluated: 2018-01-12. Review status: criteria provided, single submitter. Criteria: ICSL Variant Classification Criteria 13 December 2019. Collection method: clinical testing. Allele origin: germline.

PreventionGenetics, part of Exact Sciences
Classification: Likely benign for FANCA-related condition. Last evaluated: 2022-02-10. Review status: no assertion criteria provided. Collection method: clinical testing. Allele origin: germline. Not counted in ClinVar's aggregate classification.
Comment: This variant is classified as likely benign based on ACMG/AMP sequence variant interpretation guidelines (Richards et al. 2015 PMID: 25741868, with internal and published modifications).

ITMI
No classification provided. Condition: AllHighlyPenetrant. Last evaluated: 2013-09-19. Review status: no classification provided. Collection method: reference population. Allele origin: germline. Not counted in ClinVar's aggregate classification.
Comment: Please see associated publication for description of ethnicities

Literature cited by the submitters: PubMed 24728327 (cited by Quest Diagnostics Nichols Institute San Juan Capistrano and ITMI).